The following is an entry in ClinVar:

ClinVar aggregate classification (germline): Uncertain significance (1 of 4 stars; one submission).

Conditions:
Hereditary cancer-predisposing syndrome. Also called: Tumor predisposition; Neoplastic Syndromes, Hereditary; Hereditary Cancer Syndrome; Hereditary neoplastic syndrome. Identifiers: Orphanet 140162, MedGen C0027672, MeSH D009386, MONDO:0015356.

Submission:

Ambry Genetics
Classification: Uncertain significance for Hereditary cancer-predisposing syndrome. Last evaluated: 2025-01-09. Review status: criteria provided, single submitter. Criteria: Ambry Variant Classification Scheme 2023. Collection method: clinical testing. Allele origin: germline.
Comment: The p.N1716D variant (also known as c.5146A>G), located in coding exon 15 of the APC gene, results from an A to G substitution at nucleotide position 5146. The asparagine at codon 1716 is replaced by aspartic acid, an amino acid with highly similar properties. This amino acid position is conserved. In addition, in silico predictors for this gene do not accurately predict pathogenicity. Based on the available evidence, the clinical significance of this variant remains unclear.

NM_000038.6(APC):c.5146A>G (p.Asn1716Asp)

Gene: APC (APC regulator of Wnt signaling pathway; plus strand). Cytogenetic location: 5q22.2.
Variant type: single nucleotide variant.
Coding change: c.5146A>G on transcript NM_000038.6 (MANE Select); coding-DNA position 5146, A replaced by G.
Protein change: p.Asn1716Asp; replaces asparagine 1716 with aspartic acid.
Molecular consequence: missense variant. On other transcripts: non-coding transcript variant (2).
Genome position (GRCh38, 1-based): chr5:112,840,740, A>G. VCF-style: chr5-112840740-A-G. GRCh37 (hg19) VCF-style: chr5-112176437-A-G.
Other names: c.5146A>G, p.Asn1716Asp (NM_001127510.3, NM_001354895.2, NM_001407450.1); c.5092A>G, p.Asn1698Asp (NM_001127511.3); c.5200A>G, p.Asn1734Asp (NM_001354896.2, NM_001407447.1, NM_001407448.1 and 1 more transcripts); c.5176A>G, p.Asn1726Asp (NM_001354897.2); c.5071A>G, p.Asn1691Asp (NM_001354898.2); c.5062A>G, p.Asn1688Asp (NM_001354899.2); c.5023A>G, p.Asn1675Asp (NM_001354900.2); c.4969A>G, p.Asn1657Asp (NM_001354901.2, NM_001407453.1); and 11 more; short protein forms N1556D, N1590D, N1734D, N1744D, N1633D, N1691D, N1706D, N1433D.
Identifiers: ClinVar variation 3881642 (VCV003881642.1).